The following is an entry in ClinVar:

NM_032119.4(ADGRV1):c.13504G>T (p.Val4502Leu)

Gene: ADGRV1 (adhesion G protein-coupled receptor V1; plus strand). Cytogenetic location: 5q14.3.
Variant type: single nucleotide variant.
Coding change: c.13504G>T on transcript NM_032119.4 (MANE Select); coding-DNA position 13504, G replaced by T.
Protein change: p.Val4502Leu; replaces valine 4502 with leucine.
Molecular consequence: missense variant. On other transcripts: non-coding transcript variant (1).
Genome position (GRCh38, 1-based): chr5:90,783,908, G>T. VCF-style: chr5-90783908-G-T. GRCh37 (hg19) VCF-style: chr5-90079725-G-T.
Other names: short protein forms V4502L.
Identifiers: ClinVar variation 840317 (VCV000840317.7), dbSNP rs1759138192, ClinGen allele CA360394813.

ClinVar aggregate classification (germline): Uncertain significance (1 of 4 stars; one submission).

Submission:

Labcorp Genetics (formerly Invitae), Labcorp
Classification: Uncertain significance. Last evaluated: 2022-11-29. Review status: criteria provided, single submitter. Criteria: Invitae Variant Classification Sherloc (09022015). Collection method: clinical testing. Allele origin: germline.
Comment: This variant is not present in population databases (gnomAD no frequency). This sequence change replaces valine, which is neutral and non-polar, with leucine, which is neutral and non-polar, at codon 4502 of the ADGRV1 protein (p.Val4502Leu). ClinVar contains an entry for this variant (Variation ID: 840317). This variant has not been reported in the literature in individuals affected with ADGRV1-related conditions. Advanced modeling of protein sequence and biophysical properties (such as structural, functional, and spatial information, amino acid conservation, physicochemical variation, residue mobility, and thermodynamic stability) performed at Invitae indicates that this missense variant is not expected to disrupt ADGRV1 protein function. In summary, the available evidence is currently insufficient to determine the role of this variant in disease. Therefore, it has been classified as a Variant of Uncertain Significance.